The following is an entry in ClinVar:

ClinVar aggregate classification (germline): Pathogenic (1 of 4 stars; one submission).

Conditions:
Frontotemporal dementia and/or amyotrophic lateral sclerosis 4. Also called: FTDALS4. Identifiers: Orphanet 275872, MedGen C4225325, MONDO:0014641, OMIM 616439.

Submission:

Labcorp Genetics (formerly Invitae), Labcorp
Classification: Pathogenic for Frontotemporal dementia and/or amyotrophic lateral sclerosis 4. Last evaluated: 2023-09-11. Review status: criteria provided, single submitter. Criteria: Invitae Variant Classification Sherloc (09022015). Collection method: clinical testing. Allele origin: germline.
Comment: For these reasons, this variant has been classified as Pathogenic. This variant has not been reported in the literature in individuals affected with TBK1-related conditions. This variant is not present in population databases (gnomAD no frequency). This sequence change creates a premature translational stop signal (p.Tyr174Metfs*17) in the TBK1 gene. It is expected to result in an absent or disrupted protein product. Loss-of-function variants in TBK1 are known to be pathogenic (PMID: 25803835, 26476236, 26581300).

Literature cited by the submitters: PubMed 25803835; PubMed 26476236; PubMed 26581300.

NM_013254.4(TBK1):c.519del (p.Tyr174fs)

Gene: TBK1 (TANK binding kinase 1; plus strand). Cytogenetic location: 12q14.2.
Variant type: Deletion.
Coding change: c.519del on transcript NM_013254.4 (MANE Select); coding-DNA position 519, one base deleted (G; older notation c.519delG).
Protein change: p.Tyr174fs; shifts the reading frame from tyrosine 174.
Molecular consequence: frameshift variant.
Genome position (GRCh38, 1-based): chr12:64,467,061, G deleted. VCF-style (leftmost placement, unchanged base first): chr12-64467060-TG-T. GRCh37 (hg19) VCF-style: chr12-64860840-TG-T.
Other names: short protein forms Y174fs.
Identifiers: ClinVar variation 2760183 (VCV002760183.3), dbSNP rs2539493394, ClinGen allele CA2575213462.
Genomic context (GRCh38, chr12:64,467,060, plus strand): 5'-ACAAACTCACAGATTTTGGTGCAGCTAGAGAATTAGAAGATGATGAGCAGTTTGTTTCTC[TG>T]TATGGCACAGAAGAATATTTGGTAAGTCATGTATCACTAATATTTTCATTTAAAGAAGCT-3'